The following is an entry in ClinVar:

NM_006231.4(POLE):c.3899G>T (p.Gly1300Val)

Gene: POLE (DNA polymerase epsilon, catalytic subunit; minus strand). Cytogenetic location: 12q24.33.
Variant type: single nucleotide variant.
Coding change: c.3899G>T on transcript NM_006231.4 (MANE Select); coding-DNA position 3899, G replaced by T.
Protein change: p.Gly1300Val; replaces glycine 1300 with valine.
Molecular consequence: missense variant.
Genome position (GRCh38, 1-based): chr12:132,649,412, C>A on the plus strand (G>T on the coding strand, the complement: POLE is on the minus strand). VCF-style: chr12-132649412-C-A. GRCh37 (hg19) VCF-style: chr12-133225998-C-A.
Other names: short protein forms G1300V.
Identifiers: ClinVar variation 1735962 (VCV001735962.2), dbSNP rs2042366286, ClinGen allele CA387385200.
Genomic context (GRCh38, chr12:132,649,412, plus strand): 5'-CGCAAGAAGCTCCCCAGCCCCGTGGCAGGACCATCCCGGATGGCCCCGGGCCTGAGCACA[C>A]CCTCTGCCGACTCCAGACGCTGCCTCTTCCTGCGGGCGAGGCGCTGCCGGGCCTGCAGCT-3'
Protein context (NP_006222.2, residues 1290-1310): RKRQRLESAE[Gly1300Val]VLRPGAIRDG

ClinVar aggregate classification (germline): Uncertain significance (1 of 4 stars; one submission).

Conditions:
Hereditary cancer-predisposing syndrome. Also called: Neoplastic Syndromes, Hereditary; Tumor predisposition; Hereditary Cancer Syndrome; Hereditary neoplastic syndrome. Identifiers: Orphanet 140162, MedGen C0027672, MeSH D009386, MONDO:0015356.

Submission:

Ambry Genetics
Classification: Uncertain significance for Hereditary cancer-predisposing syndrome. Last evaluated: 2022-06-04. Review status: criteria provided, single submitter. Criteria: Ambry Variant Classification Scheme 2023. Collection method: clinical testing. Allele origin: germline.
Comment: The p.G1300V variant (also known as c.3899G>T), located in coding exon 31 of the POLE gene, results from a G to T substitution at nucleotide position 3899. The glycine at codon 1300 is replaced by valine, an amino acid with dissimilar properties. This amino acid position is conserved. In addition, this alteration is predicted to be tolerated by in silico analysis. Since supporting evidence is limited at this time, the clinical significance of this alteration remains unclear.